The following is an entry in ClinVar:

NM_001166108.2(PALLD):c.3362C>A (p.Ser1121Tyr)

Genes: CBR4 (carbonyl reductase 4; minus strand), PALLD (palladin, cytoskeletal associated protein; plus strand). Cytogenetic location: 4q32.3.
Variant type: single nucleotide variant.
Coding change: c.3362C>A on transcript NM_001166108.2 (MANE Select); coding-DNA position 3362, C replaced by A.
Protein change: p.Ser1121Tyr; replaces serine 1121 with tyrosine.
Molecular consequence: missense variant. On other transcripts: intron variant (4).
Genome position (GRCh38, 1-based): chr4:168,925,236, C>A. VCF-style: chr4-168925236-C-A. GRCh37 (hg19) VCF-style: chr4-169846387-C-A.
Other names: c.1190C>A, p.Ser397Tyr (NM_001367567.1); c.1241C>A, p.Ser414Tyr (NM_001367570.1); c.3311C>A, p.Ser1104Tyr (NM_016081.4); c.2161+158C>A (NM_001166109.2); c.1846+158C>A (NM_001166110.2); c.1237+158C>A (NM_001367568.1); c.1186+158C>A (NM_001367569.1); short protein forms S1104Y, S1121Y, S397Y, S414Y.
Identifiers: ClinVar variation 3304108 (VCV003304108.1).

ClinVar aggregate classification (germline): Uncertain significance (1 of 4 stars; one submission).

Submission:

Ambry Genetics
Classification: Uncertain significance. Last evaluated: 2024-05-31. Review status: criteria provided, single submitter. Criteria: Ambry Variant Classification Scheme 2023. Collection method: clinical testing. Allele origin: germline.
Comment: The p.S1104Y variant (also known as c.3311C>A), located in coding exon 19 of the PALLD gene, results from a C to A substitution at nucleotide position 3311. The serine at codon 1104 is replaced by tyrosine, an amino acid with dissimilar properties. This amino acid position is conserved. In addition, this alteration is predicted to be tolerated by in silico analysis. Based on the available evidence, the clinical significance of this variant remains unclear.